The following is an entry in ClinVar:

ClinVar aggregate classification (germline): Pathogenic (1 of 4 stars; one submission).

Submission:

GeneDx
Classification: Pathogenic. Last evaluated: 2016-02-03. Review status: criteria provided, single submitter. Criteria: GeneDx Variant Classification (06012015). Collection method: clinical testing. Allele origin: germline. Affected: yes.
Comment: Although the c.2 T>A pathogenic variant in the KCNQ1 gene has not been published to our knowledge, another pathogenic variant affecting the same nucleotide, c.2 T>C, has been reported previously in association with JLNS and LQTS (Wang et al., 2011; Gao et al., 2016). Wang et al. (2011) reported c.2 T>C, situated on opposite KCNQ1 alleles (in trans) from a pathogenic frameshift variant, in one individual with JLNS. This individual's father, who was asymptomatic but had a borderline prolonged QTc interval, also harbored c.2 T>C (Wang et al., 2011). Subsequently, Gao et al (2015) identified c.2 T>C in three Chinese individuals with LQTS, and reported it was absent in at least 100 ethnically matched, healthy control alleles. Data from control individuals was not available to assess whether c.2 T>A may be a common benign variant in the general population. Both the c.2 T>A variant and the c.2 T>C variant alter the initiator Methionine residue of KCNQ1. Western blot studies showed that c.2 T>C may cause an alternate translation initiation site downstream and yields a truncated protein that is missing the initial 158 amino acid residues of the KCNQ1 protein (Wang et al., 2011). Additional functional studies showed that while the c.2 T>C variant does not demonstrate a dominant negative effect when co-expressed with wild type protein, it does result in loss of function of the KCNQ1 channel due to a trafficking defect (Wang et al., 2011).In summary, c.2 T>A in the KCNQ1 gene is interpreted as a pathogenic variant.

NM_000218.3(KCNQ1):c.2T>A (p.Met1Lys)

Gene: KCNQ1 (potassium voltage-gated channel subfamily Q member 1; plus strand). Cytogenetic location: 11p15.5.
Variant type: single nucleotide variant.
Coding change: c.2T>A on transcript NM_000218.3 (MANE Select); coding-DNA position 2, T replaced by A.
Protein change: p.Met1Lys; changes the start codon (methionine 1).
Molecular consequence: missense variant, initiator codon variant.
Genome position (GRCh38, 1-based): chr11:2,445,100, T>A. VCF-style: chr11-2445100-T-A. GRCh37 (hg19) VCF-style: chr11-2466330-T-A.
Other names: short protein forms M1K.
Identifiers: ClinVar variation 488859 (VCV000488859.3), dbSNP rs199473485, ClinGen allele CA379115663.